The following is an entry in ClinVar:

ClinVar aggregate classification (germline): Likely benign (1 of 4 stars; one submission).

Allele frequency attached by ClinVar (database versions not stated): gnomAD 0.00001.
gnomAD v4.1: 8 of 1,614,008 alleles (0.0005%); highest among the groups gnomAD compares: Non-Finnish European, 0.00059%; no homozygotes.

Submission:

CeGaT Center for Human Genetics Tuebingen
Classification: Likely benign. Last evaluated: 2024-05-01. Review status: criteria provided, single submitter. Criteria: CeGaT Center For Human Genetics Tuebingen Variant Classification Criteria Version 2. Collection method: clinical testing. Allele origin: germline. Affected: yes. Observed: 1 variant allele.
Comment: ZNF462: BP4, BP7

NM_021224.6(ZNF462):c.4170A>G (p.Ala1390=)

Gene: ZNF462 (zinc finger protein 462; plus strand). Cytogenetic location: 9q31.2.
Variant type: single nucleotide variant.
Coding change: c.4170A>G on transcript NM_021224.6 (MANE Select); coding-DNA position 4170, A replaced by G.
Protein change: p.Ala1390=; no amino-acid change (alanine 1390 retained).
Molecular consequence: synonymous variant. On other transcripts: intron variant (1).
Genome position (GRCh38, 1-based): chr9:106,928,082, A>G. VCF-style: chr9-106928082-A-G. GRCh37 (hg19) VCF-style: chr9-109690363-A-G.
Other names: c.3252+918A>G (NM_001347997.2).
Identifiers: ClinVar variation 3239070 (VCV003239070.19), dbSNP rs1464960260.